The following is an entry in ClinVar:

NM_005915.6(MCM6):c.339A>T (p.Ala113=)

Gene: MCM6 (minichromosome maintenance complex component 6; minus strand). Cytogenetic location: 2q21.3.
Variant type: single nucleotide variant.
Coding change: c.339A>T on transcript NM_005915.6 (MANE Select); coding-DNA position 339, A replaced by T.
Protein change: p.Ala113=; no amino-acid change (alanine 113 retained).
Molecular consequence: synonymous variant.
Genome position (GRCh38, 1-based): chr2:135,870,277, T>A on the plus strand (A>T on the coding strand, the complement: MCM6 is on the minus strand). VCF-style: chr2-135870277-T-A. GRCh37 (hg19) VCF-style: chr2-136627847-T-A.
Identifiers: ClinVar variation 3043994 (VCV003043994.2), dbSNP rs746417693, ClinGen allele CA1889302.
Genomic context (GRCh38, chr2:135,870,277, plus strand): 5'-TGAATTCCTTTTTTTCCAGAGAAGGGTTTCTTACTTGTGTCTGGTAGGCAGGTCTTGGAA[T>A]GCAACATAAAAATCCTTGGCAAGAGGGATCTCTTTACGGTCTTTGACGAATGTTTTCAAG-3'
Protein context (NP_005906.2, residues 103-123): EIPLAKDFYV[Ala113=]FQDLPTRHKI

ClinVar aggregate classification (germline): Likely benign (0 of 4 stars; one submission).

Conditions:
MCM6-related disorder. Also called: MCM6-related condition.

Allele frequency attached by ClinVar (database versions not stated): gnomAD 0.00001; ExAC 0.00005.
gnomAD v4.1: 76 of 1,613,848 alleles (0.0047%); highest among the groups gnomAD compares: South Asian, 0.078%; 2 homozygotes.

Submission:

PreventionGenetics, part of Exact Sciences
Classification: Likely benign for MCM6-related condition. Last evaluated: 2019-06-08. Review status: no assertion criteria provided. Collection method: clinical testing. Allele origin: germline.
Comment: This variant is classified as likely benign based on ACMG/AMP sequence variant interpretation guidelines (Richards et al. 2015 PMID: 25741868, with internal and published modifications).